The following is an entry in ClinVar:

ClinVar aggregate classification (germline): Uncertain significance. Review status: criteria provided, multiple submitters, no conflicts (2 of 4 stars). 2 submissions from 2 submitters: Uncertain significance (2). Last evaluated 2025-11-30.

Conditions:
Charcot-Marie-Tooth disease type 2. Also called: Charcot-Marie-Tooth type 2. Identifiers: Orphanet 64746, MedGen C0270914, MONDO:0018993.

Allele frequency attached by ClinVar (database versions not stated): ExAC 0.00001; gnomAD 0.00001; gnomAD exomes below 0.00001; TOPMed 0.00001.
gnomAD v4.1: 4 of 1,614,056 alleles (0.00025%); highest among the groups gnomAD compares: Non-Finnish European, 0.00034%; no homozygotes.

Submissions (2):

Ambry Genetics
Classification: Uncertain significance. Last evaluated: 2025-11-30. Review status: criteria provided, single submitter. Criteria: Ambry Variant Classification Scheme 2023. Collection method: clinical testing. Allele origin: germline.
Comment: The p.N1111S variant (also known as c.3332A>G), located in coding exon 29 of the KIF1B gene, results from an A to G substitution at nucleotide position 3332. The asparagine at codon 1111 is replaced by serine, an amino acid with highly similar properties. This amino acid position is highly conserved in available vertebrate species. In addition, this alteration is predicted to be tolerated by in silico analysis. Since supporting evidence is limited at this time, the clinical significance of this alteration remains unclear.

Labcorp Genetics (formerly Invitae), Labcorp
Classification: Uncertain significance for Charcot-Marie-Tooth disease type 2. Last evaluated: 2025-05-05. Review status: criteria provided, single submitter. Criteria: Invitae Variant Classification Sherloc (09022015). Collection method: clinical testing. Allele origin: germline.
Comment: This sequence change replaces asparagine, which is neutral and polar, with serine, which is neutral and polar, at codon 1111 of the KIF1B protein (p.Asn1111Ser). This variant is not present in population databases (gnomAD no frequency). This variant has not been reported in the literature in individuals affected with KIF1B-related conditions. ClinVar contains an entry for this variant (Variation ID: 1730324). An algorithm developed to predict the effect of missense changes on protein structure and function (PolyPhen-2) suggests that this variant is likely to be disruptive. In summary, the available evidence is currently insufficient to determine the role of this variant in disease. Therefore, it has been classified as a Variant of Uncertain Significance.

NM_001365951.3(KIF1B):c.3470A>G (p.Asn1157Ser)

Gene: KIF1B (kinesin family member 1B; plus strand). Cytogenetic location: 1p36.22.
Variant type: single nucleotide variant.
Coding change: c.3470A>G on transcript NM_001365951.3 (MANE Select); coding-DNA position 3470, A replaced by G.
Protein change: p.Asn1157Ser; replaces asparagine 1157 with serine.
Molecular consequence: missense variant.
Genome position (GRCh38, 1-based): chr1:10,339,816, A>G. VCF-style: chr1-10339816-A-G. GRCh37 (hg19) VCF-style: chr1-10399874-A-G.
Other names: c.3470A>G, p.Asn1157Ser (NM_001365952.1); c.3332A>G, p.Asn1111Ser (NM_015074.3); short protein forms N1111S, N1157S.
Identifiers: ClinVar variation 1730324 (VCV001730324.8), dbSNP rs769332579, ClinGen allele CA581787.